The following is an entry in ClinVar:

NM_001256317.3(TMPRSS3):c.727G>A (p.Gly243Arg)

Gene: TMPRSS3 (transmembrane serine protease 3; minus strand). Cytogenetic location: 21q22.3.
Variant type: single nucleotide variant.
Coding change: c.727G>A on transcript NM_001256317.3 (MANE Select); coding-DNA position 727, G replaced by A.
Protein change: p.Gly243Arg; replaces glycine 243 with arginine.
Molecular consequence: missense variant.
Genome position (GRCh38, 1-based): chr21:42,383,088, C>T on the plus strand (G>A on the coding strand, the complement: TMPRSS3 is on the minus strand). VCF-style: chr21-42383088-C-T. GRCh37 (hg19) VCF-style: chr21-43803197-C-T.
Other names: c.727G>A, p.Gly243Arg (NM_024022.4, NM_032405.2); c.346G>A, p.Gly116Arg (NM_032404.3); c.727G>A (NM_001256317.1); short protein forms G243R, G116R.
Identifiers: ClinVar variation 178549 (VCV000178549.46), dbSNP rs372526764, ClinGen allele CA273548.

ClinVar aggregate classification (germline): Pathogenic/Likely pathogenic. Review status: criteria provided, multiple submitters, no conflicts (2 of 4 stars). 10 submissions from 10 submitters: Pathogenic (3); Likely pathogenic (7). Last evaluated 2025-11-10.

Conditions:
Rare genetic deafness. Identifiers: Orphanet 96210, MedGen C5680250.
TMPRSS3-related disorder. Also called: TMPRSS3-related condition.
Autosomal recessive nonsyndromic hearing loss 8 (DFNB8). Also called: NEUROSENSORY NONSYNDROMIC RECESSIVE DEAFNESS 8; Deafness, autosomal recessive 10. Identifiers: Orphanet 90636, MedGen C1832827, MONDO:0010987, OMIM 601072.

Allele frequency attached by ClinVar (database versions not stated): gnomAD 0.00003 and 0.00001; gnomAD exomes 0.00003 and 0.00002; ESP Exome Variant Server 0.00008; 1000 Genomes Project 30x 0.00016; 1000 Genomes Project 0.00020; TOPMed 0.00002; ExAC 0.00003.
gnomAD v4.1: 35 of 1,614,160 alleles (0.0022%); highest among the groups gnomAD compares: South Asian, 0.014%; no homozygotes.

Submissions (10):

Dasa
Classification: Likely pathogenic for Autosomal recessive nonsyndromic hearing loss 8. Last evaluated: 2025-11-10. Review status: criteria provided, single submitter. Criteria: DASA Assertion Criteria. Collection method: clinical testing. Allele origin: germline.
Comment: NM_001256317.3(TMPRSS3):c.727G>A (p.Gly243Arg) is a missense variant that results in the substitution of glycine with arginine. The affected residue or protein region has prior evidence supporting clinical relevance. Segregation data support an association with disease in the reported family/families (PMID: 24416283; PMID: 31389194). This variant has been recurrently observed in individuals with TMPRSS3-related disorders (PMID: 24416283; PMID: 31389194). Also, this variant is rare in population databases. Computational evidence supports a deleterious effect. Based on the currently available evidence, this variant is classified as likely pathogenic.

CeGaT Center for Human Genetics Tuebingen
Classification: Likely pathogenic. Last evaluated: 2025-09-01. Review status: criteria provided, single submitter. Criteria: CeGaT Center For Human Genetics Tuebingen Variant Classification Criteria Version 2. Collection method: clinical testing. Allele origin: germline. Affected: yes. Observed: 2 variant alleles.
Comment: TMPRSS3: PM2, PM3, PP1:Moderate

First Genomix Gene Laboratory, Genetic Diagnostics Department
Classification: Pathogenic for Autosomal recessive nonsyndromic hearing loss 8. Last evaluated: 2025-05-22. Review status: criteria provided, single submitter. Criteria: ACMG Guidelines, 2015. Collection method: clinical testing. Allele origin: germline. Inheritance: Autosomal recessive inheritance. Affected: no. Observed: 1 variant allele.

Women's Health and Genetics/Laboratory Corporation of America, LabCorp
Classification: Pathogenic for Autosomal recessive nonsyndromic hearing loss 8. Last evaluated: 2024-09-16. Review status: criteria provided, single submitter. Criteria: LabCorp Variant Classification Summary - May 2015. Collection method: clinical testing. Allele origin: germline.
Comment: Variant summary: TMPRSS3 c.727G>A (p.Gly243Arg) results in a non-conservative amino acid change in the encoded protein sequence. Five of five in-silico tools predict a damaging effect of the variant on protein function. The variant allele was found at a frequency of 2.8e-05 in 251270 control chromosomes (gnomAD). c.727G>A has been reported in the literature in multiple individuals affected with Deafness, Autosomal Recessive 8 (e.g. Ganapathy_2014, Khan_2019). These data indicate that the variant is very likely to be associated with disease. The following publications have been ascertained in the context of this evaluation (PMID: 24416283, 31389194). ClinVar contains an entry for this variant (Variation ID: 178549). Based on the evidence outlined above, the variant was classified as pathogenic.

Labcorp Genetics (formerly Invitae), Labcorp
Classification: Pathogenic. Last evaluated: 2024-02-07. Review status: criteria provided, single submitter. Criteria: Invitae Variant Classification Sherloc (09022015). Collection method: clinical testing. Allele origin: germline.
Comment: This sequence change replaces glycine, which is neutral and non-polar, with arginine, which is basic and polar, at codon 243 of the TMPRSS3 protein (p.Gly243Arg). This variant is present in population databases (rs372526764, gnomAD 0.01%). This missense change has been observed in individual(s) with deafness (PMID: 24416283). It has also been observed to segregate with disease in related individuals. ClinVar contains an entry for this variant (Variation ID: 178549). Advanced modeling of protein sequence and biophysical properties (such as structural, functional, and spatial information, amino acid conservation, physicochemical variation, residue mobility, and thermodynamic stability) performed at Invitae indicates that this missense variant is expected to disrupt TMPRSS3 protein function with a positive predictive value of 95%. For these reasons, this variant has been classified as Pathogenic.

PreventionGenetics, part of Exact Sciences
Classification: Likely pathogenic for TMPRSS3-related condition. Last evaluated: 2023-02-23. Review status: criteria provided, single submitter. Criteria: ACMG Guidelines, 2015. Collection method: clinical testing. Allele origin: germline.
Comment: The TMPRSS3 c.727G>A variant is predicted to result in the amino acid substitution p.Gly243Arg. This variant is located in the highly conserved catalytic serine protease domain, and was reported in the homozygous state in three siblings with autosomal recessive non-syndromic deafness (Ganapathy et al. 2014. PubMed ID: 24416283). This variant is reported in 0.013% of alleles in individuals of South Asian descent in gnomAD. This variant is interpreted as likely pathogenic.

Clinical Genetics Laboratory, Skane University Hospital Lund
Classification: Likely pathogenic. Last evaluated: 2022-05-27. Review status: criteria provided, single submitter. Criteria: ACMG Guidelines, 2015. Collection method: clinical testing. Allele origin: germline. Affected: yes.

GenePathDx, GenePath diagnostics
Classification: Likely pathogenic for Autosomal recessive hearing loss. Last evaluated: 2016-05-01. Review status: criteria provided, single submitter. Criteria: GenePathDx_Criteria_classificationV2. Collection method: clinical testing. Allele origin: germline. Inheritance: Autosomal recessive inheritance. Affected: yes. Observed: 1 variant allele.
Comment: Next generation DNA sequencing of peripheral blood sample has revealed presence of a homozygous variant c.727 G>A in exon 8 of TMPRSS3 gene. This variant was predicted to be likely pathogenic based on available evidences in the databases and in silico mutation prediction methods.

Laboratory for Molecular Medicine, Mass General Brigham Personalized Medicine
Classification: Likely pathogenic for Rare genetic deafness. Last evaluated: 2014-12-06. Review status: criteria provided, single submitter. Criteria: LMM Criteria. Collection method: clinical testing. Allele origin: germline. Inheritance: Autosomal recessive inheritance. Observed: 3 variant alleles.
Comment: The variant was detected in the homozygous sta te in the proband and in two affected siblings, and the parents who were heteroz ygous carriers were unaffected (Ganapathy 2014). The p.Gly243 Arg variant has been identified in 1/8600 European American chromosomes by the N HLBI Exome Sequencing Project and in 3/16618 South Asian chromosomes by the Exom e Aggregation Consortium (dbSNP rs372526764). Although this variant has been seen in the gene ral population, its frequency is low enough to be consistent with a recessive ca rrier frequency. Computational prediction tools and conservation analyses sugges t that the p.Gly243Arg variant may impact the protein, though this information i s not predictive enough to determine pathogenicity. In summary, although additio nal studies are required to fully establish its clinical significance, this vari ant is likely pathogenic.

Juno Genomics, Hangzhou Juno Genomics, Inc
Classification: Likely pathogenic for Autosomal recessive nonsyndromic hearing loss 8. Review status: criteria provided, single submitter. Criteria: ACMG Guidelines, 2015. Collection method: clinical testing. Allele origin: germline.
Comment: Multiple lines of computational evidence support a deleterious effect on the gene or gene product.;For recessive disorders, detected in trans with a pathogenic variant.

Literature cited by the submitters: PubMed 24416283 (cited by 4 submitters); PubMed 31389194 (cited by Dasa and Women's Health and Genetics/Laboratory Corporation of America, LabCorp).